The following is an entry in ClinVar:

NM_003470.3(USP7):c.691A>G (p.Thr231Ala)

Gene: USP7 (ubiquitin specific peptidase 7; minus strand). Cytogenetic location: 16p13.2.
Variant type: single nucleotide variant.
Coding change: c.691A>G on transcript NM_003470.3 (MANE Select); coding-DNA position 691, A replaced by G.
Protein change: p.Thr231Ala; replaces threonine 231 with alanine.
Molecular consequence: missense variant. On other transcripts: non-coding transcript variant (1).
Genome position (GRCh38, 1-based): chr16:8,919,060, T>C on the plus strand (A>G on the coding strand, the complement: USP7 is on the minus strand). VCF-style: chr16-8919060-T-C. GRCh37 (hg19) VCF-style: chr16-9012917-T-C.
Other names: c.643A>G, p.Thr215Ala (NM_001286457.2); c.394A>G, p.Thr132Ala (NM_001286458.2); c.517A>G, p.Thr173Ala (NM_001321858.2); short protein forms T132A, T173A, T215A, T231A.
Identifiers: ClinVar variation 2664970 (VCV002664970.2), dbSNP rs2549244932, ClinGen allele CA394704242.

ClinVar aggregate classification (germline): Uncertain significance (1 of 4 stars; one submission).

Conditions:
Hao-Fountain syndrome (HAFOUS). Identifiers: Orphanet 643549, MedGen C5393908, MONDO:0014805.

Submission:

Institute of Human Genetics, University of Leipzig Medical Center
Classification: Uncertain significance for Hao-Fountain syndrome due to USP7 mutation. Last evaluated: 2023-11-09. Review status: criteria provided, single submitter. Criteria: ACMG Guidelines, 2015. Collection method: clinical testing. Allele origin: de novo. Inheritance: Autosomal dominant inheritance. Affected: yes.
Comment: Criteria applied: PS2_SUP,PM2_SUP,PP2